The following is an entry in ClinVar:

NM_005228.5(EGFR):c.2956A>G (p.Arg986Gly)

Gene: EGFR (epidermal growth factor receptor; plus strand). Cytogenetic location: 7p11.2.
Variant type: single nucleotide variant.
Coding change: c.2956A>G on transcript NM_005228.5 (MANE Select); coding-DNA position 2956, A replaced by G.
Protein change: p.Arg986Gly; replaces arginine 986 with glycine.
Molecular consequence: missense variant.
Genome position (GRCh38, 1-based): chr7:55,201,197, A>G. VCF-style: chr7-55201197-A-G. GRCh37 (hg19) VCF-style: chr7-55268890-A-G.
Other names: c.2797A>G, p.Arg933Gly (NM_001346900.2); c.2155A>G, p.Arg719Gly (NM_001346941.2); c.2821A>G, p.Arg941Gly (NM_001346897.2, NM_001346899.2); c.2956A>G, p.Arg986Gly (NM_001346898.2); short protein forms R719G, R933G, R941G, R986G.
Identifiers: ClinVar variation 4870228 (VCV004870228.1).

ClinVar aggregate classification (germline): Uncertain significance (1 of 4 stars; one submission).

Conditions:
Hereditary cancer-predisposing syndrome. Also called: Neoplastic Syndromes, Hereditary; Tumor predisposition; Hereditary Cancer Syndrome; Hereditary neoplastic syndrome. Identifiers: Orphanet 140162, MedGen C0027672, MeSH D009386, MONDO:0015356.

Submission:

Ambry Genetics
Classification: Uncertain significance for Hereditary cancer-predisposing syndrome. Last evaluated: 2026-03-30. Review status: criteria provided, single submitter. Criteria: Ambry Variant Classification Scheme 2023. Collection method: clinical testing. Allele origin: germline.
Comment: The p.R986G variant (also known as c.2956A>G), located in coding exon 25 of the EGFR gene, results from an A to G substitution at nucleotide position 2956. The arginine at codon 986 is replaced by glycine, an amino acid with dissimilar properties. This amino acid position is conserved. In addition, the in silico prediction for this alteration is inconclusive. Based on the available evidence, the clinical significance of this variant remains unclear.